The following is an entry in ClinVar:

NM_000053.4(ATP7B):c.899A>G (p.Lys300Arg)

Gene: ATP7B (ATPase copper transporting beta; minus strand). Cytogenetic location: 13q14.3.
Variant type: single nucleotide variant.
Coding change: c.899A>G on transcript NM_000053.4 (MANE Select); coding-DNA position 899, A replaced by G.
Protein change: p.Lys300Arg; replaces lysine 300 with arginine.
Molecular consequence: missense variant. On other transcripts: intron variant (2).
Genome position (GRCh38, 1-based): chr13:51,974,321, T>C on the plus strand (A>G on the coding strand, the complement: ATP7B is on the minus strand). VCF-style: chr13-51974321-T-C. GRCh37 (hg19) VCF-style: chr13-52548457-T-C.
Other names: c.899A>G, p.Lys300Arg (NM_001406524.1, NM_001406527.1, NM_001406528.1 and 29 more transcripts); c.803A>G, p.Lys268Arg (NM_001406517.1, NM_001406518.1, NM_001406536.1 and 3 more transcripts); c.802+97A>G (NM_001243182.2); c.706+97A>G (NM_001406539.1); short protein forms K268R, K300R.
Identifiers: ClinVar variation 3072400 (VCV003072400.2), dbSNP rs2547817200, ClinGen allele CA388040534.
Genomic context (GRCh38, chr13:51,974,321, plus strand): 5'-GGTGGAAGTGCCTCGATAGCCCTCTGCAGAGCCACTGGGCTGGTACAAGAAGGGTCATAC[T>C]TTACTTGGGCAGTTTTGTTCTCCAAGGACACTTGAATACTTTGAACCCCTAGGAGCTGGC-3'
Protein context (NP_000044.2, residues 290-310): VSLENKTAQV[Lys300Arg]YDPSCTSPVA

ClinVar aggregate classification (germline): Uncertain significance. Review status: criteria provided, multiple submitters, no conflicts (2 of 4 stars). 2 submissions from 2 submitters: Uncertain significance (2). Last evaluated 2024-01-28.

Conditions:
Wilson disease (WND). Also called: Wilson's disease. Identifiers: Orphanet 905, MedGen C0019202, MONDO:0010200, OMIM 277900. Disease mechanism: loss of function.

Submissions (2):

Color Diagnostics, LLC DBA Color Health
Classification: Uncertain significance for Wilson disease. Last evaluated: 2024-01-28. Review status: criteria provided, single submitter. Criteria: ACMG Guidelines, 2015. Collection method: clinical testing. Allele origin: germline.
Comment: This missense variant replaces lysine with arginine at codon 300 of the ATP7B protein. Computational prediction suggests that this variant may not impact protein structure and function (internally defined REVEL score threshold <= 0.5, PMID: 27666373). To our knowledge, functional studies have not been reported for this variant. This variant has not been reported in individuals affected with ATP7B-related disorders in the literature. This variant has not been identified in the general population by the Genome Aggregation Database (gnomAD). The available evidence is insufficient to determine the role of this variant in disease conclusively. Therefore, this variant is classified as a Variant of Uncertain Significance.

All of Us Research Program, National Institutes of Health
Classification: Uncertain significance for Wilson disease. Last evaluated: 2023-11-06. Review status: criteria provided, single submitter. Criteria: ACMG Guidelines, 2015. Collection method: clinical testing. Allele origin: germline. Inheritance: Autosomal recessive inheritance. Observed: 2 variant alleles, 2 heterozygotes.
Comment: This study involves interpretation of variants in research participants for the purpose of population health screening. Participant phenotype was not available at the time of variant classification. Additional details can be found in publication PMID: 35346344, PMCID: PMC8962531